The following is an entry in ClinVar:

NM_006922.4(SCN3A):c.3149C>T (p.Ser1050Phe)

Gene: SCN3A (sodium voltage-gated channel alpha subunit 3; minus strand). Cytogenetic location: 2q24.3.
Variant type: single nucleotide variant.
Coding change: c.3149C>T on transcript NM_006922.4 (MANE Select); coding-DNA position 3149, C replaced by T.
Protein change: p.Ser1050Phe; replaces serine 1050 with phenylalanine.
Molecular consequence: missense variant.
Genome position (GRCh38, 1-based): chr2:165,127,875, G>A on the plus strand (C>T on the coding strand, the complement: SCN3A is on the minus strand). VCF-style: chr2-165127875-G-A. GRCh37 (hg19) VCF-style: chr2-165984385-G-A.
Other names: c.3002C>T, p.Ser1001Phe (NM_001081676.2, NM_001081677.2); short protein forms S1050F, S1001F.
Identifiers: ClinVar variation 3672966 (VCV003672966.2).

ClinVar aggregate classification (germline): Uncertain significance (1 of 4 stars; one submission).

gnomAD v4.1: 6 of 1,614,000 alleles (0.00037%); highest among the groups gnomAD compares: Non-Finnish European, 0.00051%; no homozygotes.

Submission:

Labcorp Genetics (formerly Invitae), Labcorp
Classification: Uncertain significance. Last evaluated: 2024-10-20. Review status: criteria provided, single submitter. Criteria: Invitae Variant Classification Sherloc (09022015). Collection method: clinical testing. Allele origin: germline.
Comment: This sequence change replaces serine, which is neutral and polar, with phenylalanine, which is neutral and non-polar, at codon 1050 of the SCN3A protein (p.Ser1050Phe). This variant is not present in population databases (gnomAD no frequency). This variant has not been reported in the literature in individuals affected with SCN3A-related conditions. Invitae Evidence Modeling of protein sequence and biophysical properties (such as structural, functional, and spatial information, amino acid conservation, physicochemical variation, residue mobility, and thermodynamic stability) indicates that this missense variant is not expected to disrupt SCN3A protein function with a negative predictive value of 95%. In summary, the available evidence is currently insufficient to determine the role of this variant in disease. Therefore, it has been classified as a Variant of Uncertain Significance.